The following is an entry in ClinVar:

NM_057176.3(BSND):c.575C>A (p.Ala192Asp)

Gene: BSND (barttin CLCNK type accessory subunit beta; plus strand). Cytogenetic location: 1p32.3.
Variant type: single nucleotide variant.
Coding change: c.575C>A on transcript NM_057176.3 (MANE Select); coding-DNA position 575, C replaced by A.
Protein change: p.Ala192Asp; replaces alanine 192 with aspartic acid.
Molecular consequence: missense variant.
Genome position (GRCh38, 1-based): chr1:55,008,240, C>A. VCF-style: chr1-55008240-C-A. GRCh37 (hg19) VCF-style: chr1-55473913-C-A.
Other names: short protein forms A192D.
Identifiers: ClinVar variation 389251 (VCV000389251.3), dbSNP rs770850590, ClinGen allele CA16603667.

ClinVar aggregate classification (germline): Uncertain significance (1 of 4 stars; one submission).

gnomAD v4.1: 1 of 1,614,170 alleles (0.000062%); highest among the groups gnomAD compares: African/African-American, 0.0013%; no homozygotes.

Submission:

GeneDx
Classification: Uncertain significance. Last evaluated: 2019-09-05. Review status: criteria provided, single submitter. Criteria: GeneDx Variant Classification Process June 2021. Collection method: clinical testing. Allele origin: germline. Affected: yes.
Comment: Not observed in large population cohorts (Lek et al., 2016); In silico analysis, which includes protein predictors and evolutionary conservation, supports a deleterious effect; Has not been previously published as pathogenic or benign to our knowledge